The following is an entry in ClinVar:

NM_000292.3(PHKA2):c.1811T>C (p.Leu604Pro)

Gene: PHKA2 (phosphorylase kinase regulatory subunit alpha 2; minus strand). Cytogenetic location: Xp22.13.
Variant type: single nucleotide variant.
Coding change: c.1811T>C on transcript NM_000292.3 (MANE Select); coding-DNA position 1811, T replaced by C.
Protein change: p.Leu604Pro; replaces leucine 604 with proline.
Molecular consequence: missense variant.
Genome position (GRCh38, 1-based): chrX:18,920,184, A>G on the plus strand (T>C on the coding strand, the complement: PHKA2 is on the minus strand). VCF-style: chrX-18920184-A-G. GRCh37 (hg19) VCF-style: chrX-18938302-A-G.
Other names: short protein forms L604P.
Identifiers: ClinVar variation 3032335 (VCV003032335.2), dbSNP rs2518671791, ClinGen allele CA412389136.

ClinVar aggregate classification (germline): Uncertain significance (0 of 4 stars; one submission).

Conditions:
PHKA2-related disorder. Also called: PHKA2-related condition.

Submission:

PreventionGenetics, part of Exact Sciences
Classification: Uncertain significance for PHKA2-related condition. Last evaluated: 2023-11-12. Review status: no assertion criteria provided. Collection method: clinical testing. Allele origin: germline.
Comment: The PHKA2 c.1811T>C variant is predicted to result in the amino acid substitution p.Leu604Pro. To our knowledge, this variant has not been reported in the literature or in a large population database, indicating this variant is rare. At this time, the clinical significance of this variant is uncertain due to the absence of conclusive functional and genetic evidence.